The following is an entry in ClinVar:

NM_001182.5(ALDH7A1):c.1394G>A (p.Gly465Asp)

Gene: ALDH7A1 (aldehyde dehydrogenase 7 family member A1; minus strand). Cytogenetic location: 5q23.2.
Variant type: single nucleotide variant.
Coding change: c.1394G>A on transcript NM_001182.5 (MANE Select); coding-DNA position 1394, G replaced by A.
Protein change: p.Gly465Asp; replaces glycine 465 with aspartic acid.
Molecular consequence: missense variant.
Genome position (GRCh38, 1-based): chr5:126,550,217, C>T on the plus strand (G>A on the coding strand, the complement: ALDH7A1 is on the minus strand). VCF-style: chr5-126550217-C-T. GRCh37 (hg19) VCF-style: chr5-125885909-C-T.
Other names: c.1310G>A, p.Gly437Asp (NM_001201377.2); c.1202G>A, p.Gly401Asp (NM_001202404.2); short protein forms G401D, G437D, G465D.
Identifiers: ClinVar variation 1498631 (VCV001498631.6), dbSNP rs947628303, ClinGen allele CA126885608.

ClinVar aggregate classification (germline): Uncertain significance (1 of 4 stars; one submission).

Conditions:
Pyridoxine-dependent epilepsy (EPEO4). Also called: Pyridoxine-Dependent Seizures; Pyridoxine-Dependent Epilepsy - ALDH7A1; PYRIDOXINE DEPENDENCY WITH SEIZURES; EPILEPSY, EARLY-ONSET, 4, VITAMIN B6-DEPENDENT. Identifiers: Orphanet 3006, MedGen C1849508, MONDO:0009945, OMIM 266100. Disease mechanism: loss of function.

Submission:

Labcorp Genetics (formerly Invitae), Labcorp
Classification: Uncertain significance for Pyridoxine-dependent epilepsy. Last evaluated: 2022-01-17. Review status: criteria provided, single submitter. Criteria: Invitae Variant Classification Sherloc (09022015). Collection method: clinical testing. Allele origin: germline.
Comment: In summary, the available evidence is currently insufficient to determine the role of this variant in disease. Therefore, it has been classified as a Variant of Uncertain Significance. Algorithms developed to predict the effect of missense changes on protein structure and function (SIFT, PolyPhen-2, Align-GVGD) all suggest that this variant is likely to be tolerated. This variant has not been reported in the literature in individuals affected with ALDH7A1-related conditions. This variant is not present in population databases (gnomAD no frequency). This sequence change replaces glycine, which is neutral and non-polar, with aspartic acid, which is acidic and polar, at codon 465 of the ALDH7A1 protein (p.Gly465Asp).